The following is an entry in ClinVar:

NM_000051.4(ATM):c.8476_8477dup (p.Asn2826fs)

Genes: ATM (ATM serine/threonine kinase; plus strand), C11orf65 (chromosome 11 open reading frame 65; minus strand). Cytogenetic location: 11q22.3.
Variant type: Duplication.
Coding change: c.8476_8477dup on transcript NM_000051.4 (MANE Select); coding-DNA positions 8476 to 8477, 2 bases duplicated (AA; older notation c.8476_8477dupAA).
Protein change: p.Asn2826fs; shifts the reading frame from asparagine 2826.
Molecular consequence: frameshift variant. On other transcripts: intron variant (2).
Genome position (GRCh38, 1-based): chr11:108,345,800-108,345,801, AA duplicated; duplicating any 2 consecutive bases within chr11:108,345,798-108,345,801 gives the same sequence; the c. name uses the placement nearest the transcript's 3' end. VCF-style (leftmost placement, unchanged base first): chr11-108345797-C-CAA. GRCh37 (hg19) VCF-style: chr11-108216524-C-CAA.
Other names: c.8476_8477dupAA (NM_000051.3); c.8476_8477dup, p.Asn2826fs (NM_001351834.2); c.641-36728_641-36727dup (NM_001330368.2); c.695-10507_695-10506dup (NM_001351110.2); short protein forms N2826fs.
Identifiers: ClinVar variation 186852 (VCV000186852.19), dbSNP rs786203272, ClinGen allele CA196050.

ClinVar aggregate classification (germline): Pathogenic. Review status: criteria provided, multiple submitters, no conflicts (2 of 4 stars). 5 submissions from 5 submitters: Pathogenic (5). Last evaluated 2024-05-29.

Conditions:
Familial cancer of breast. Also called: hereditary breast carcinoma; BREAST CANCER, FAMILIAL; Hereditary breast cancer. Identifiers: Orphanet 227535, MedGen C0346153, MONDO:0016419, OMIM 114480. Disease mechanism: loss of function.
Ataxia-telangiectasia syndrome (AT). Also called: ATAXIA-TELANGIECTASIA, COMPLEMENTATION GROUP A; ATAXIA-TELANGIECTASIA, FRESNO VARIANT; Ataxia-telangiectasia; Ataxia-telangiectasia, complementation group E; Cerebello-oculocutaneous telangiectasia; Immunodeficiency with ataxia telangiectasia. Identifiers: Orphanet 100, MedGen C0004135, MONDO:0008840, OMIM 208900.
Hereditary cancer-predisposing syndrome. Also called: Hereditary Cancer Syndrome; Tumor predisposition; Neoplastic Syndromes, Hereditary; Hereditary neoplastic syndrome. Identifiers: Orphanet 140162, MedGen C0027672, MeSH D009386, MONDO:0015356.

Submissions (5):

Ambry Genetics
Classification: Pathogenic for Hereditary cancer-predisposing syndrome. Last evaluated: 2024-05-29. Review status: criteria provided, single submitter. Criteria: Ambry Variant Classification Scheme 2023. Collection method: clinical testing. Allele origin: germline.
Comment: The c.8476_8477dupAA pathogenic mutation, located in coding exon 57 of the ATM gene, results from a duplication of AA at nucleotide position 8476, causing a translational frameshift with a predicted alternate stop codon (p.N2826Kfs*32). This alteration was reported in a cohort of individuals diagnosed with ataxia-telangiectasia (A-T) (Stankovic T et al. Am. J. Hum. Genet., 1998 Feb;62:334-45). Of note, this alteration is also known as 8478 ins AA in published literature. In addition to the clinical data presented in the literature, this alteration is expected to result in loss of function by premature protein truncation or nonsense-mediated mRNA decay. As such, this alteration is interpreted as a disease-causing mutation.

Fulgent Genetics
Classification: Pathogenic for Familial cancer of breast; Ataxia-telangiectasia syndrome. Last evaluated: 2024-05-22. Review status: criteria provided, single submitter. Criteria: ACMG Guidelines, 2015. Collection method: clinical testing. Allele origin: germline.

Myriad Genetics, Inc.
Classification: Pathogenic for Familial cancer of breast. Last evaluated: 2024-02-02. Review status: criteria provided, single submitter. Criteria: Myriad Autosomal Dominant, Autosomal Recessive and X-Linked Classification Criteria (2023). Collection method: clinical testing. Allele origin: unknown.
Comment: This variant is considered pathogenic. This variant creates a frameshift predicted to result in premature protein truncation.

Women's Health and Genetics/Laboratory Corporation of America, LabCorp
Classification: Pathogenic for Ataxia-telangiectasia syndrome. Last evaluated: 2023-03-22. Review status: criteria provided, single submitter. Criteria: LabCorp Variant Classification Summary - May 2015. Collection method: clinical testing. Allele origin: germline.
Comment: Variant summary: ATM c.8476_8477dupAA (p.Asn2826LysfsX32) results in a premature termination codon, predicted to cause a truncation of the encoded protein or absence of the protein due to nonsense mediated decay, which are commonly known mechanisms for disease. Truncations downstream of this position have been classified as pathogenic by our laboratory. The variant was absent in 251310 control chromosomes. c.8476_8477dupAA has been reported in the literature in individuals affected with Ataxia-Telangiectasia (Stankovic_1998). To our knowledge, no experimental evidence demonstrating an impact on protein function has been reported. Two clinical diagnostic laboratories have submitted clinical-significance assessments for this variant to ClinVar after 2014 without evidence for independent evaluation. All laboratories classified the variant as pathogenic. Based on the evidence outlined above, the variant was classified as pathogenic.

Labcorp Genetics (formerly Invitae), Labcorp
Classification: Pathogenic for Ataxia-telangiectasia syndrome. Last evaluated: 2019-01-02. Review status: criteria provided, single submitter. Criteria: Invitae Variant Classification Sherloc (09022015). Collection method: clinical testing. Allele origin: germline.
Comment: For these reasons, this variant has been classified as Pathogenic. This sequence change creates a premature translational stop signal (p.Asn2826Lysfs*32) in the ATM gene. It is expected to result in an absent or disrupted protein product. This variant is not present in population databases (ExAC no frequency). This variant has been observed in an individual affected with ataxia-telangiectasia (PMID: 9463314). This variant is also known as insAA at position 8478 in the literature. ClinVar contains an entry for this variant (Variation ID: 186852). Loss-of-function variants in ATM are known to be pathogenic (PMID: 23807571, 25614872).

Literature cited by the submitters: PubMed 9463314 (cited by 3 submitters); PubMed 23807571 (cited by Labcorp Genetics (formerly Invitae), Labcorp); PubMed 25614872 (cited by Labcorp Genetics (formerly Invitae), Labcorp).